The following is an entry in ClinVar:

ClinVar aggregate classification (germline): Likely pathogenic (1 of 4 stars; one submission).

Conditions:
3MC syndrome 1. Also called: OCULOPALATOSKELETAL SYNDROME; CRANIOSYNOSTOSIS WITH LID ANOMALIES; MICHELS SYNDROME. Identifiers: Orphanet 293843, MedGen C0796059, MONDO:0009770, OMIM 257920.

Submission:

Centre for Mendelian Genomics, University Medical Centre Ljubljana
Classification: Likely pathogenic for 3MC syndrome 1. Last evaluated: 2019-11-14. Review status: criteria provided, single submitter. Criteria: ACMG Guidelines, 2015. Collection method: clinical testing. Allele origin: unknown. Affected: yes.
Comment: This variant was classified as: Likely pathogenic. The following ACMG criteria were applied in classifying this variant: PVS1,PM2.

NM_001879.6(MASP1):c.1809+1G>A

Gene: MASP1 (MBL associated serine protease 1; minus strand). Cytogenetic location: 3q27.3.
Variant type: single nucleotide variant.
Coding change: c.1809+1G>A on transcript NM_001879.6 (MANE Plus Clinical); the canonical splice donor site of the intron after coding-DNA position 1809, G replaced by A.
Molecular consequence: splice donor variant.
Genome position (GRCh38, 1-based): chr3:187,223,126, C>T on the plus strand (G>A on the coding strand, the complement: MASP1 is on the minus strand). VCF-style: chr3-187223126-C-T. GRCh37 (hg19) VCF-style: chr3-186940914-C-T.
Identifiers: ClinVar variation 931653 (VCV000931653.5), dbSNP rs373254538, ClinGen allele CA89663643.